The following is an entry in ClinVar:

NM_053025.4(MYLK):c.728C>T (p.Ser243Leu)

Gene: MYLK (myosin light chain kinase; minus strand). Cytogenetic location: 3q21.1.
Variant type: single nucleotide variant.
Coding change: c.728C>T on transcript NM_053025.4 (MANE Select); coding-DNA position 728, C replaced by T.
Protein change: p.Ser243Leu; replaces serine 243 with leucine.
Molecular consequence: missense variant.
Genome position (GRCh38, 1-based): chr3:123,737,404, G>A on the plus strand (C>T on the coding strand, the complement: MYLK is on the minus strand). VCF-style: chr3-123737404-G-A. GRCh37 (hg19) VCF-style: chr3-123456251-G-A.
Other names: c.200C>T, p.Ser67Leu (NM_001321309.2); c.728C>T, p.Ser243Leu (NM_053026.4, NM_053027.4, NM_053028.4); short protein forms S67L, S243L.
Identifiers: ClinVar variation 859343 (VCV000859343.7), dbSNP rs202126043, ClinGen allele CA82944648.

ClinVar aggregate classification (germline): Uncertain significance. Review status: criteria provided, multiple submitters, no conflicts (2 of 4 stars). 3 submissions from 3 submitters: Uncertain significance (3). Last evaluated 2023-04-08.

Conditions:
Aortic aneurysm, familial thoracic 7 (AAT7). Also called: AORTIC DISSECTION, FAMILIAL, WITH OR WITHOUT AORTIC ANEURYSM. Identifiers: MedGen C3151077, MONDO:0013418, OMIM 613780.
Megacystis-microcolon-intestinal hypoperistalsis syndrome 1. Identifiers: MedGen C5542316, MONDO:0100354, OMIM 249210.
Familial thoracic aortic aneurysm and aortic dissection (TAAD). Also called: Thoracic aortic aneurysms and dissections. Identifiers: Orphanet 91387, MedGen C4707243, MONDO:0019625.

Allele frequency attached by ClinVar (database versions not stated): TOPMed 0.00001.
gnomAD v4.1: 22 of 1,613,948 alleles (0.0014%); highest among the groups gnomAD compares: East Asian, 0.0045%; no homozygotes.

Submissions (3):

Ambry Genetics
Classification: Uncertain significance for Familial thoracic aortic aneurysm and aortic dissection. Last evaluated: 2023-04-08. Review status: criteria provided, single submitter. Criteria: Ambry Variant Classification Scheme 2023. Collection method: clinical testing. Allele origin: germline.
Comment: The p.S243L variant (also known as c.728C>T), located in coding exon 5 of the MYLK gene, results from a C to T substitution at nucleotide position 728. The serine at codon 243 is replaced by leucine, an amino acid with dissimilar properties. This amino acid position is conserved. In addition, the in silico prediction for this alteration is inconclusive. Since supporting evidence is limited at this time, the clinical significance of this alteration remains unclear.

Labcorp Genetics (formerly Invitae), Labcorp
Classification: Uncertain significance for Aortic aneurysm, familial thoracic 7. Last evaluated: 2023-02-21. Review status: criteria provided, single submitter. Criteria: Invitae Variant Classification Sherloc (09022015). Collection method: clinical testing. Allele origin: germline.
Comment: This variant is present in population databases (no rsID available, gnomAD 0.003%). This variant has not been reported in the literature in individuals affected with MYLK-related conditions. ClinVar contains an entry for this variant (Variation ID: 859343). Advanced modeling of protein sequence and biophysical properties (such as structural, functional, and spatial information, amino acid conservation, physicochemical variation, residue mobility, and thermodynamic stability) performed at Invitae indicates that this missense variant is not expected to disrupt MYLK protein function. In summary, the available evidence is currently insufficient to determine the role of this variant in disease. Therefore, it has been classified as a Variant of Uncertain Significance. This sequence change replaces serine, which is neutral and polar, with leucine, which is neutral and non-polar, at codon 243 of the MYLK protein (p.Ser243Leu).

Fulgent Genetics
Classification: Uncertain significance for Megacystis-microcolon-intestinal hypoperistalsis syndrome 1; Aortic aneurysm, familial thoracic 7. Last evaluated: 2021-07-22. Review status: criteria provided, single submitter. Criteria: ACMG Guidelines, 2015. Collection method: clinical testing. Allele origin: unknown.